The following is an entry in ClinVar:

NM_001366145.2(TRPM3):c.1847T>C (p.Ile616Thr)

Gene: TRPM3 (transient receptor potential cation channel subfamily M member 3; minus strand). Cytogenetic location: 9q21.12.
Variant type: single nucleotide variant.
Coding change: c.1847T>C on transcript NM_001366145.2 (MANE Select); coding-DNA position 1847, T replaced by C.
Protein change: p.Ile616Thr; replaces isoleucine 616 with threonine.
Molecular consequence: missense variant.
Genome position (GRCh38, 1-based): chr9:70,620,358, A>G on the plus strand (T>C on the coding strand, the complement: TRPM3 is on the minus strand). VCF-style: chr9-70620358-A-G. GRCh37 (hg19) VCF-style: chr9-73235274-A-G.
Other names: c.1811T>C, p.Ile604Thr (NM_001007471.4, NM_001366151.2); c.1817T>C, p.Ile606Thr (NM_001366141.2, NM_001366143.2, NM_001366149.2); c.1853T>C, p.Ile618Thr (NM_001366142.2); c.1847T>C, p.Ile616Thr (NM_001366146.2); c.1922T>C, p.Ile641Thr (NM_001366147.2, NM_001366152.2); c.1892T>C, p.Ile631Thr (NM_001366148.2); c.1781T>C, p.Ile594Thr (NM_001366150.2); c.1388T>C, p.Ile463Thr (NM_001366154.2, NM_024971.7); and 5 more; short protein forms I441T, I618T, I631T, I453T, I466T, I594T, I606T, I616T.
Identifiers: ClinVar variation 1390736 (VCV001390736.6), dbSNP rs1200470936, ClinGen allele CA373559631.

ClinVar aggregate classification (germline): Uncertain significance (1 of 4 stars; one submission).

Submission:

Labcorp Genetics (formerly Invitae), Labcorp
Classification: Uncertain significance. Last evaluated: 2022-05-15. Review status: criteria provided, single submitter. Criteria: Invitae Variant Classification Sherloc (09022015). Collection method: clinical testing. Allele origin: germline.
Comment: In summary, the available evidence is currently insufficient to determine the role of this variant in disease. Therefore, it has been classified as a Variant of Uncertain Significance. Algorithms developed to predict the effect of missense changes on protein structure and function are either unavailable or do not agree on the potential impact of this missense change (SIFT: "Tolerated"; PolyPhen-2: "Not Available"; Align-GVGD: "Class C0"). This variant has not been reported in the literature in individuals affected with TRPM3-related conditions. This variant is not present in population databases (gnomAD no frequency). This sequence change replaces isoleucine, which is neutral and non-polar, with threonine, which is neutral and polar, at codon 451 of the TRPM3 protein (p.Ile451Thr).